The following is an entry in ClinVar:

NM_004082.5(DCTN1):c.811G>A (p.Asp271Asn)

Gene: DCTN1 (dynactin subunit 1; minus strand). Cytogenetic location: 2p13.1.
Variant type: single nucleotide variant.
Coding change: c.811G>A on transcript NM_004082.5 (MANE Select); coding-DNA position 811, G replaced by A.
Protein change: p.Asp271Asn; replaces aspartic acid 271 with asparagine.
Molecular consequence: missense variant. On other transcripts: non-coding transcript variant (1).
Genome position (GRCh38, 1-based): chr2:74,371,011, C>T on the plus strand (G>A on the coding strand, the complement: DCTN1 is on the minus strand). VCF-style: chr2-74371011-C-T. GRCh37 (hg19) VCF-style: chr2-74598138-C-T.
Other names: c.409G>A, p.Asp137Asn (NM_023019.4, NM_001135041.3); c.790G>A, p.Asp264Asn (NM_001190837.2); c.760G>A, p.Asp254Asn (NM_001378991.1); c.742G>A, p.Asp248Asn (NM_001378992.1); c.751G>A, p.Asp251Asn (NM_001135040.3); c.700G>A, p.Asp234Asn (NM_001190836.2); short protein forms D234N, D137N, D248N, D251N, D254N, D264N, D271N.
Identifiers: ClinVar variation 4783112 (VCV004783112.1).

ClinVar aggregate classification (germline): Uncertain significance (1 of 4 stars; one submission).

Conditions:
Amyotrophic lateral sclerosis type 1 (ALS1). Also called: AMYOTROPHIC LATERAL SCLEROSIS 1, FAMILIAL. Identifiers: Orphanet 803, MedGen C1862939, MONDO:0007103, OMIM 105400.
Neuronopathy, distal hereditary motor, type 7B. Also called: NEURONOPATHY, DISTAL HEREDITARY MOTOR, AUTOSOMAL DOMINANT 14; NEURONOPATHY, DISTAL HEREDITARY MOTOR, HARDING TYPE VIIB; NEUROPATHY, DISTAL HEREDITARY MOTOR, HARDING TYPE VIIB; NEUROPATHY, DISTAL HEREDITARY MOTOR, WITH VOCAL CORD PARALYSIS, HARDING TYPE VIIB; Distal Hereditary Motor Neuronopathy Type 7B (dHMN7B); HMN VIIB. Identifiers: Orphanet 139589, MedGen C1843315, MONDO:0011879, OMIM 607641.
Perry syndrome. Also called: PARKINSONISM WITH ALVEOLAR HYPOVENTILATION AND MENTAL DEPRESSION. Identifiers: Orphanet 178509, MedGen C1868594, MONDO:0008201, OMIM 168605.

gnomAD v4.1: 5 of 1,614,134 alleles (0.00031%); highest among the groups gnomAD compares: Admixed American, 0.0017%; no homozygotes.

Submission:

Labcorp Genetics (formerly Invitae), Labcorp
Classification: Uncertain significance for Amyotrophic lateral sclerosis type 1; Neuronopathy, distal hereditary motor, type 7B; Perry syndrome. Last evaluated: 2025-09-10. Review status: criteria provided, single submitter. Criteria: Invitae Variant Classification Sherloc (09022015). Collection method: clinical testing. Allele origin: germline.
Comment: This sequence change replaces aspartic acid, which is acidic and polar, with asparagine, which is neutral and polar, at codon 271 of the DCTN1 protein (p.Asp271Asn). This variant is present in population databases (rs748949872, gnomAD 0.003%). This variant has not been reported in the literature in individuals affected with DCTN1-related conditions. Invitae Evidence Modeling of protein sequence and biophysical properties (such as structural, functional, and spatial information, amino acid conservation, physicochemical variation, residue mobility, and thermodynamic stability) indicates that this missense variant is not expected to disrupt DCTN1 protein function with a negative predictive value of 95%. In summary, the available evidence is currently insufficient to determine the role of this variant in disease. Therefore, it has been classified as a Variant of Uncertain Significance.